The following is an entry in ClinVar:

NM_017752.3(TBC1D8B):c.1962T>A (p.Phe654Leu)

Gene: TBC1D8B (TBC1 domain family member 8B; plus strand). Cytogenetic location: Xq22.3.
Variant type: single nucleotide variant.
Coding change: c.1962T>A on transcript NM_017752.3 (MANE Select); coding-DNA position 1962, T replaced by A.
Protein change: p.Phe654Leu; replaces phenylalanine 654 with leucine.
Molecular consequence: missense variant.
Genome position (GRCh38, 1-based): chrX:106,850,149, T>A. VCF-style: chrX-106850149-T-A. GRCh37 (hg19) VCF-style: chrX-106093379-T-A.
Other names: short protein forms F654L.
Identifiers: ClinVar variation 3643790 (VCV003643790.2).
Genomic context (GRCh38, chrX:106,850,149, plus strand): 5'-ACACATGACTGATATGACATTCTTTTCCTCAGTTTCTCTCTCTTGGTTTCTCACACTTTT[T>A]ATTAGTGTGCTACCTATTGAAAGTGCAGTGAATGTGGTGGACTGTTTCTTCTATGATGGA-3'
Protein context (NP_060222.2, residues 644-664): SVSLSWFLTL[Phe654Leu]ISVLPIESAV

ClinVar aggregate classification (germline): Uncertain significance (1 of 4 stars; one submission).

gnomAD v4.1: 126 of 1,209,948 alleles (0.01%); highest among the groups gnomAD compares: Non-Finnish European, 0.014%; no homozygotes.

Submission:

Labcorp Genetics (formerly Invitae), Labcorp
Classification: Uncertain significance. Last evaluated: 2025-07-13. Review status: criteria provided, single submitter. Criteria: Invitae Variant Classification Sherloc (09022015). Collection method: clinical testing. Allele origin: germline.
Comment: This sequence change replaces phenylalanine, which is neutral and non-polar, with leucine, which is neutral and non-polar, at codon 654 of the TBC1D8B protein (p.Phe654Leu). This variant is present in population databases (rs376543146, gnomAD 0.02%). This variant has not been reported in the literature in individuals affected with TBC1D8B-related conditions. ClinVar contains an entry for this variant (Variation ID: 3643790). An algorithm developed to predict the effect of missense changes on protein structure and function (PolyPhen-2) suggests that this variant is likely to be disruptive. In summary, the available evidence is currently insufficient to determine the role of this variant in disease. Therefore, it has been classified as a Variant of Uncertain Significance.